The following is an entry in ClinVar:

ClinVar aggregate classification (germline): Likely benign (1 of 4 stars; one submission).

Allele frequency attached by ClinVar (database versions not stated): TOPMed 0.00005; gnomAD 0.00015; 1000 Genomes Project 30x 0.00062; gnomAD exomes 0.00062; 1000 Genomes Project 0.00080.
gnomAD v4.1: 271 of 570,806 alleles (0.047%); highest among the groups gnomAD compares: East Asian, 0.72%; 1 homozygote.

Submission:

CeGaT Center for Human Genetics Tuebingen
Classification: Likely benign. Last evaluated: 2023-03-01. Review status: criteria provided, single submitter. Criteria: CeGaT Center For Human Genetics Tuebingen Variant Classification Criteria Version 2. Collection method: clinical testing. Allele origin: germline. Affected: yes. Observed: 1 variant allele.
Comment: FGFR1: BS1

NM_023110.3(FGFR1):c.*220T>C

Gene: FGFR1 (fibroblast growth factor receptor 1; minus strand). Cytogenetic location: 8p11.23.
Variant type: single nucleotide variant.
Coding change: c.*220T>C on transcript NM_023110.3 (MANE Select); 220 bases downstream of the stop codon, T replaced by C.
Molecular consequence: 3 prime UTR variant. On other transcripts: intron variant (3).
Genome position (GRCh38, 1-based): chr8:38,413,408, A>G on the plus strand (T>C on the coding strand, the complement: FGFR1 is on the minus strand). VCF-style: chr8-38413408-A-G. GRCh37 (hg19) VCF-style: chr8-38270926-A-G.
Other names: c.*220T>C (NM_000604.2, NM_001174063.2, NM_001174064.2 and 8 more transcripts); c.2019+510T>C (NM_001354370.2); c.2286+510T>C (NM_001354367.2); c.2280+510T>C (NM_001354369.2).
Identifiers: ClinVar variation 2658545 (VCV002658545.24), dbSNP rs138421779, ClinGen allele CA175137377.